The following is an entry in ClinVar:

ClinVar aggregate classification (germline): Benign/Likely benign. Review status: criteria provided, multiple submitters, no conflicts (2 of 4 stars). 6 submissions from 6 submitters: Benign (4); Likely benign (1). 1 of the submissions does not count toward it. Last evaluated 2022-09-14.

Conditions:
TNNI2-related disorder. Also called: TNNI2-related condition.
Distal arthrogryposis type 2B1 (DA2B1). Also called: Arthrogryposis multiplex congenita distal type II with craniofacial abnormalities. Identifiers: Orphanet 1147, MedGen C5193014, MONDO:0020820, OMIM 601680.

Allele frequency attached by ClinVar (database versions not stated): 1000 Genomes Project 0.00519; TOPMed 0.00609; ExAC 0.00170; gnomAD 0.00538 and 0.00584; 1000 Genomes Project 30x 0.00578; ESP Exome Variant Server 0.00692.

Submissions (6):

ARUP Laboratories, Molecular Genetics and Genomics, ARUP Laboratories
Classification: Benign for Distal arthrogryposis type 2B1. Last evaluated: 2022-09-14. Review status: criteria provided, single submitter. Criteria: ARUP Molecular Germline Variant Investigation Process 2021. Collection method: clinical testing. Allele origin: germline.

Labcorp Genetics (formerly Invitae), Labcorp
Classification: Benign. Last evaluated: 2019-12-31. Review status: criteria provided, single submitter. Criteria: Invitae Variant Classification Sherloc (09022015). Collection method: clinical testing. Allele origin: germline.

Illumina Laboratory Services, Illumina
Classification: Benign for Distal arthrogryposis type 2B1. Last evaluated: 2018-01-13. Review status: criteria provided, single submitter. Criteria: ICSL Variant Classification Criteria 13 December 2019. Collection method: clinical testing. Allele origin: germline.
Comment: This variant was observed in the ICSL laboratory as part of a predisposition screen in an ostensibly healthy population. It had not been previously curated by ICSL or reported in the Human Gene Mutation Database (HGMD: prior to June 1st, 2018), and was therefore a candidate for classification through an automated scoring system. Utilizing variant allele frequency, disease prevalence and penetrance estimates, and inheritance mode, an automated score was calculated to assess if this variant is too frequent to cause the disease. Based on the score and internal cut-off values, a variant classified as benign is not then subjected to further curation. The score for this variant resulted in a classification of benign for this disease.

GeneDx
Classification: Benign. Last evaluated: 2016-12-05. Review status: criteria provided, single submitter. Criteria: GeneDx Variant Classification (06012015). Collection method: clinical testing. Allele origin: germline. Affected: yes.
Comment: This variant is considered likely benign or benign based on one or more of the following criteria: it is a conservative change, it occurs at a poorly conserved position in the protein, it is predicted to be benign by multiple in silico algorithms, and/or has population frequency not consistent with disease.

Breakthrough Genomics
Classification: Likely benign. Review status: criteria provided, single submitter. Criteria: ACMG Guidelines, 2015. Collection method: not provided. Allele origin: germline. Inheritance: Autosomal dominant inheritance. Affected: yes.

PreventionGenetics, part of Exact Sciences
Classification: Benign for TNNI2-related condition. Last evaluated: 2019-09-20. Review status: no assertion criteria provided. Collection method: clinical testing. Allele origin: germline. Not counted in ClinVar's aggregate classification.
Comment: This variant is classified as benign based on ACMG/AMP sequence variant interpretation guidelines (Richards et al. 2015 PMID: 25741868, with internal and published modifications).

NM_003282.4(TNNI2):c.150G>A (p.Pro50=)

Gene: TNNI2 (troponin I2, fast skeletal type; plus strand). Cytogenetic location: 11p15.5.
Variant type: single nucleotide variant.
Coding change: c.150G>A on transcript NM_003282.4 (MANE Select); coding-DNA position 150, G replaced by A.
Protein change: p.Pro50=; no amino-acid change (proline 50 retained).
Molecular consequence: synonymous variant.
Genome position (GRCh38, 1-based): chr11:1,840,620, G>A. VCF-style: chr11-1840620-G-A. GRCh37 (hg19) VCF-style: chr11-1861850-G-A.
Other names: c.150G>A, p.Pro50= (NM_001145829.2, NM_001145841.2).
Identifiers: ClinVar variation 259022 (VCV000259022.15), dbSNP rs139820259, ClinGen allele CA5815121.